The following is an entry in ClinVar:

NM_004153.4(ORC1):c.437C>T (p.Thr146Met)

Gene: ORC1 (origin recognition complex subunit 1; minus strand). Cytogenetic location: 1p32.3.
Variant type: single nucleotide variant.
Coding change: c.437C>T on transcript NM_004153.4 (MANE Select); coding-DNA position 437, C replaced by T.
Protein change: p.Thr146Met; replaces threonine 146 with methionine.
Molecular consequence: missense variant.
Genome position (GRCh38, 1-based): chr1:52,396,330, G>A on the plus strand (C>T on the coding strand, the complement: ORC1 is on the minus strand). VCF-style: chr1-52396330-G-A. GRCh37 (hg19) VCF-style: chr1-52862002-G-A.
Other names: c.437C>T, p.Thr146Met (NM_001190818.2, NM_001190819.2); c.437C>T (NM_004153.3); short protein forms T146M.
Identifiers: ClinVar variation 1062715 (VCV001062715.7), dbSNP rs200422610, ClinGen allele CA853582.

ClinVar aggregate classification (germline): Conflicting classifications of pathogenicity. Review status: criteria provided, conflicting classifications (1 of 4 stars). 2 submissions from 2 submitters: Uncertain significance (1); Likely benign (1). Last evaluated 2024-11-25.

Conditions:
Inborn genetic diseases. Identifiers: MedGen C0950123, MeSH D030342.

Allele frequency attached by ClinVar (database versions not stated): gnomAD exomes 0.00004 and 0.00008; gnomAD 0.00006 and 0.00008; ExAC 0.00007; 1000 Genomes Project 30x 0.00016; TOPMed 0.00018; 1000 Genomes Project 0.00020.
gnomAD v4.1: 70 of 1,613,892 alleles (0.0043%); highest among the groups gnomAD compares: Middle Eastern, 0.23%; 1 homozygote.

Submissions (2):

Ambry Genetics
Classification: Likely benign for Inborn genetic diseases. Last evaluated: 2024-11-25. Review status: criteria provided, single submitter. Criteria: Ambry Variant Classification Scheme 2023. Collection method: clinical testing. Allele origin: germline.

Labcorp Genetics (formerly Invitae), Labcorp
Classification: Uncertain significance. Last evaluated: 2022-03-19. Review status: criteria provided, single submitter. Criteria: Invitae Variant Classification Sherloc (09022015). Collection method: clinical testing. Allele origin: germline.
Comment: This sequence change replaces threonine, which is neutral and polar, with methionine, which is neutral and non-polar, at codon 146 of the ORC1 protein (p.Thr146Met). This variant is present in population databases (rs200422610, gnomAD 0.01%). This variant has not been reported in the literature in individuals affected with ORC1-related conditions. ClinVar contains an entry for this variant (Variation ID: 1062715). Algorithms developed to predict the effect of missense changes on protein structure and function output the following: SIFT: "Tolerated"; PolyPhen-2: "Benign"; Align-GVGD: "Class C0". The methionine amino acid residue is found in multiple mammalian species, which suggests that this missense change does not adversely affect protein function. In summary, the available evidence is currently insufficient to determine the role of this variant in disease. Therefore, it has been classified as a Variant of Uncertain Significance.